The following is an entry in ClinVar:

NM_001130144.3(LTBP3):c.430G>A (p.Ala144Thr)

Gene: LTBP3 (latent transforming growth factor beta binding protein 3; minus strand). Cytogenetic location: 11q13.1.
Variant type: single nucleotide variant.
Coding change: c.430G>A on transcript NM_001130144.3 (MANE Select); coding-DNA position 430, G replaced by A.
Protein change: p.Ala144Thr; replaces alanine 144 with threonine.
Molecular consequence: missense variant.
Genome position (GRCh38, 1-based): chr11:65,554,282, C>T on the plus strand (G>A on the coding strand, the complement: LTBP3 is on the minus strand). VCF-style: chr11-65554282-C-T. GRCh37 (hg19) VCF-style: chr11-65321753-C-T.
Other names: c.79G>A, p.Ala27Thr (NM_001164266.1); c.430G>A, p.Ala144Thr (NM_021070.4); short protein forms A144T, A27T.
Identifiers: ClinVar variation 1500115 (VCV001500115.9), dbSNP rs181842110, ClinGen allele CA6101243.

ClinVar aggregate classification (germline): Uncertain significance. Review status: criteria provided, multiple submitters, no conflicts (2 of 4 stars). 2 submissions from 2 submitters: Uncertain significance (2). Last evaluated 2025-10-23.

Conditions:
Inborn genetic diseases. Identifiers: MedGen C0950123, MeSH D030342.
Brachyolmia-amelogenesis imperfecta syndrome. Also called: Tooth agenesis, selective, 6; Dental anomalies and short stature; PLATYSPONDYLY WITH AMELOGENESIS IMPERFECTA. Identifiers: Orphanet 2899, MedGen C1832594, MONDO:0011018, OMIM 601216. Disease mechanism: loss of function.

Allele frequency attached by ClinVar (database versions not stated): ESP Exome Variant Server 0.00008.

Submissions (2):

Ambry Genetics
Classification: Uncertain significance for Inborn genetic diseases. Last evaluated: 2025-10-23. Review status: criteria provided, single submitter. Criteria: Ambry Variant Classification Scheme 2023. Collection method: clinical testing. Allele origin: germline.

Labcorp Genetics (formerly Invitae), Labcorp
Classification: Uncertain significance for Brachyolmia-amelogenesis imperfecta syndrome. Last evaluated: 2025-06-14. Review status: criteria provided, single submitter. Criteria: Invitae Variant Classification Sherloc (09022015). Collection method: clinical testing. Allele origin: germline.
Comment: This sequence change replaces alanine, which is neutral and non-polar, with threonine, which is neutral and polar, at codon 144 of the LTBP3 protein (p.Ala144Thr). This variant is present in population databases (rs181842110, gnomAD 0.006%). This variant has not been reported in the literature in individuals affected with LTBP3-related conditions. ClinVar contains an entry for this variant (Variation ID: 1500115). An algorithm developed to predict the effect of missense changes on protein structure and function outputs the following: PolyPhen-2: "Benign". The threonine amino acid residue is found in multiple mammalian species, which suggests that this missense change does not adversely affect protein function. In summary, the available evidence is currently insufficient to determine the role of this variant in disease. Therefore, it has been classified as a Variant of Uncertain Significance.